The following is an entry in ClinVar:

NM_004766.3(COPB2):c.869A>C (p.Tyr290Ser)

Gene: COPB2 (coat protein complex I subunit beta 2; minus strand). Cytogenetic location: 3q23.
Variant type: single nucleotide variant.
Coding change: c.869A>C on transcript NM_004766.3 (MANE Select); coding-DNA position 869, A replaced by C.
Protein change: p.Tyr290Ser; replaces tyrosine 290 with serine.
Molecular consequence: missense variant. On other transcripts: non-coding transcript variant (1).
Genome position (GRCh38, 1-based): chr3:139,373,691, T>G on the plus strand (A>C on the coding strand, the complement: COPB2 is on the minus strand). VCF-style: chr3-139373691-T-G. GRCh37 (hg19) VCF-style: chr3-139092533-T-G.
Other names: c.782A>C, p.Tyr261Ser (NM_001410834.1); short protein forms Y290S, Y261S.
Identifiers: ClinVar variation 2193920 (VCV002193920.4), dbSNP rs749744373, ClinGen allele CA2641409.
Genomic context (GRCh38, chr3:139,373,691, plus strand): 5'-CTATGTCCACCTACTGAGAGGGATAGTATAATTACCTTAACAATGATGCTCCCTTCATCA[T>G]AGCCCAAAGCGACATTGTTTGACCCTCTTAGACTGGCCACGCACCATACCCTCTCCATTC-3'
Protein context (NP_004757.1, residues 280-300): LRGSNNVALG[Tyr290Ser]DEGSIIVKLG

ClinVar aggregate classification (germline): Uncertain significance (1 of 4 stars; one submission).

Allele frequency attached by ClinVar (database versions not stated): gnomAD exomes below 0.00001; TOPMed below 0.00001; ExAC 0.00001.

Submission:

Labcorp Genetics (formerly Invitae), Labcorp
Classification: Uncertain significance. Last evaluated: 2022-04-01. Review status: criteria provided, single submitter. Criteria: Invitae Variant Classification Sherloc (09022015). Collection method: clinical testing. Allele origin: germline.
Comment: Algorithms developed to predict the effect of missense changes on protein structure and function (SIFT, PolyPhen-2, Align-GVGD) all suggest that this variant is likely to be disruptive. This variant has not been reported in the literature in individuals affected with COPB2-related conditions. In summary, the available evidence is currently insufficient to determine the role of this variant in disease. Therefore, it has been classified as a Variant of Uncertain Significance. This variant is present in population databases (rs749744373, gnomAD 0.003%). This sequence change replaces tyrosine, which is neutral and polar, with serine, which is neutral and polar, at codon 290 of the COPB2 protein (p.Tyr290Ser).